The following is an entry in ClinVar:

ClinVar aggregate classification (germline): Uncertain significance (1 of 4 stars; one submission).

Conditions:
Hereditary cancer-predisposing syndrome. Also called: Neoplastic Syndromes, Hereditary; Tumor predisposition; Hereditary neoplastic syndrome; Hereditary Cancer Syndrome. Identifiers: Orphanet 140162, MedGen C0027672, MeSH D009386, MONDO:0015356.

Submission:

Ambry Genetics
Classification: Uncertain significance for Hereditary cancer-predisposing syndrome. Last evaluated: 2024-05-16. Review status: criteria provided, single submitter. Criteria: Ambry Variant Classification Scheme 2023. Collection method: clinical testing. Allele origin: germline.
Comment: The p.A221T variant (also known as c.661G>A), located in coding exon 6 of the SDHA gene, results from a G to A substitution at nucleotide position 661. The alanine at codon 221 is replaced by threonine, an amino acid with similar properties. This amino acid position is well conserved in available vertebrate species. In addition, the in silico prediction for this alteration is inconclusive. Based on the available evidence, the clinical significance of this variant remains unclear.

NM_004168.4(SDHA):c.661G>A (p.Ala221Thr)

Gene: SDHA (succinate dehydrogenase complex flavoprotein subunit A; plus strand). Cytogenetic location: 5p15.33.
Variant type: single nucleotide variant.
Coding change: c.661G>A on transcript NM_004168.4 (MANE Select); coding-DNA position 661, G replaced by A.
Protein change: p.Ala221Thr; replaces alanine 221 with threonine.
Molecular consequence: missense variant.
Genome position (GRCh38, 1-based): chr5:228,224, G>A. VCF-style: chr5-228224-G-A. GRCh37 (hg19) VCF-style: chr5-228339-G-A.
Other names: c.517G>A, p.Ala173Thr (NM_001294332.2); c.661G>A, p.Ala221Thr (NM_001330758.2); short protein forms A173T, A221T.
Identifiers: ClinVar variation 3316841 (VCV003316841.1).
Genomic context (GRCh38, chr5:228,224, plus strand): 5'-TTTTTTTTTCCTTTCTTTTAGTCTCTGCGATATGATACCAGCTATTTTGTGGAGTATTTT[G>A]CCTTGGATCTCCTGATGGAGAATGGGGAGTGCCGTGGTGTCATCGCACTGTGCATAGAGG-3'
Protein context (NP_004159.2, residues 211-231): YDTSYFVEYF[Ala221Thr]LDLLMENGEC